The following is an entry in ClinVar:

NM_000051.4(ATM):c.7344T>A (p.Asp2448Glu)

Genes: ATM (ATM serine/threonine kinase; plus strand), C11orf65 (chromosome 11 open reading frame 65; minus strand). Cytogenetic location: 11q22.3.
Variant type: single nucleotide variant.
Coding change: c.7344T>A on transcript NM_000051.4 (MANE Select); coding-DNA position 7344, T replaced by A.
Protein change: p.Asp2448Glu; replaces aspartic acid 2448 with glutamic acid.
Molecular consequence: missense variant. On other transcripts: intron variant (2).
Genome position (GRCh38, 1-based): chr11:108,330,250, T>A. VCF-style: chr11-108330250-T-A. GRCh37 (hg19) VCF-style: chr11-108200977-T-A.
Other names: c.7344T>A, p.Asp2448Glu (NM_001351834.2); c.641-21179A>T (NM_001330368.2); c.*38+4970A>T (NM_001351110.2); short protein forms D2448E.
Identifiers: ClinVar variation 2136236 (VCV002136236.2), dbSNP rs2547261012, ClinGen allele CA382559929.

ClinVar aggregate classification (germline): Uncertain significance. Review status: criteria provided, multiple submitters, no conflicts (2 of 4 stars). 2 submissions from 2 submitters: Uncertain significance (2). Last evaluated 2026-03-04.

Conditions:
Hereditary cancer-predisposing syndrome. Also called: Tumor predisposition; Hereditary Cancer Syndrome; Hereditary neoplastic syndrome; Neoplastic Syndromes, Hereditary. Identifiers: Orphanet 140162, MedGen C0027672, MeSH D009386, MONDO:0015356.

Submissions (2):

Ambry Genetics
Classification: Uncertain significance for Hereditary cancer-predisposing syndrome. Last evaluated: 2026-03-04. Review status: criteria provided, single submitter. Criteria: Ambry Variant Classification Scheme 2023. Collection method: clinical testing. Allele origin: germline.
Comment: The p.D2448E variant (also known as c.7344T>A), located in coding exon 49 of the ATM gene, results from a T to A substitution at nucleotide position 7344. The aspartic acid at codon 2448 is replaced by glutamic acid, an amino acid with highly similar properties. In an assay testing ATM function, this variant showed a functionally indeterminant result (Lee KS et al. Cell, 2025 Sep;188:5081-5099.e27). This amino acid position is highly conserved in available vertebrate species. In addition, the in silico prediction for this alteration is inconclusive. Based on the available evidence, the clinical significance of this variant remains unclear.

GeneDx
Classification: Uncertain significance. Last evaluated: 2022-07-19. Review status: criteria provided, single submitter. Criteria: GeneDx Variant Classification Process June 2021. Collection method: clinical testing. Allele origin: germline. Affected: yes.
Comment: Not observed at significant frequency in large population cohorts (gnomAD); In silico analysis supports that this missense variant has a deleterious effect on protein structure/function; Has not been previously published as pathogenic or benign to our knowledge; This variant is associated with the following publications: (PMID: 23532176)

Literature cited by the submitters: PubMed 40580951 (cited by Ambry Genetics).